The following is an entry in ClinVar:

NM_014363.6(SACS):c.11941C>T (p.Gln3981Ter)

Gene: SACS (sacsin molecular chaperone; minus strand). Cytogenetic location: 13q12.12.
Variant type: single nucleotide variant.
Coding change: c.11941C>T on transcript NM_014363.6 (MANE Select); coding-DNA position 11941, C replaced by T.
Protein change: p.Gln3981Ter; replaces glutamine 3981 with a stop codon.
Molecular consequence: nonsense.
Genome position (GRCh38, 1-based): chr13:23,331,935, G>A on the plus strand (C>T on the coding strand, the complement: SACS is on the minus strand). VCF-style: chr13-23331935-G-A. GRCh37 (hg19) VCF-style: chr13-23906074-G-A.
Other names: c.11500C>T, p.Gln3834Ter (NM_001278055.2); short protein forms Q3834*, Q3981*.
Identifiers: ClinVar variation 802912 (VCV000802912.6), dbSNP rs1593121484, ClinGen allele CA387508851.
Genomic context (GRCh38, chr13:23,331,935, plus strand): 5'-TTCCTTGAAGAGAACACAACGCTCCAAACTGACAAACTTTGGGAGTCTCTTCATCTAATT[G>A]TTCTTCAAGTATACTGCTCAATAATCGAGGTCTAAGTTTTTGAGGAAAGAGCATTATCAA-3'

ClinVar aggregate classification (germline): Pathogenic. Review status: criteria provided, multiple submitters, no conflicts (2 of 4 stars). 2 submissions from 2 submitters: Pathogenic (2). Last evaluated 2021-08-29.

Conditions:
Charlevoix-Saguenay spastic ataxia (SACS). Also called: Spastic ataxia of Charlevoix-Saguenay; SPASTIC ATAXIA 6, AUTOSOMAL RECESSIVE; AUTOSOMAL RECESSIVE SPASTIC ATAXIA OF CHARLEVOIX-SAGUENAY. Identifiers: Orphanet 98, MedGen C1849140, MONDO:0010041, OMIM 270550.
Spastic paraplegia. Identifiers: MedGen C0037772, HP:0001258.

Submissions (2):

Labcorp Genetics (formerly Invitae), Labcorp
Classification: Pathogenic for Spastic paraplegia. Last evaluated: 2021-08-29. Review status: criteria provided, single submitter. Criteria: Invitae Variant Classification Sherloc (09022015). Collection method: clinical testing. Allele origin: germline.
Comment: This sequence change creates a premature translational stop signal (p.Gln3981*) in the SACS gene. While this is not anticipated to result in nonsense mediated decay, it is expected to disrupt the last 599 amino acid(s) of the SACS protein. This variant is not present in population databases (ExAC no frequency). This variant has not been reported in the literature in individuals affected with SACS-related conditions. ClinVar contains an entry for this variant (Variation ID: 802912). This variant disrupts a region of the SACS protein in which other variant(s) (p.Asn4549Asp) have been determined to be pathogenic (PMID: 15156359, 21507954). This suggests that this is a clinically significant region of the protein, and that variants that disrupt it are likely to be disease-causing. For these reasons, this variant has been classified as Pathogenic.

Mendelics
Classification: Pathogenic for Charlevoix-Saguenay spastic ataxia. Last evaluated: 2019-05-28. Review status: criteria provided, single submitter. Criteria: Mendelics Assertion Criteria 2017. Collection method: clinical testing. Allele origin: unknown.

Literature cited by the submitters: PubMed 15156359 (cited by Labcorp Genetics (formerly Invitae), Labcorp); PubMed 21507954 (cited by Labcorp Genetics (formerly Invitae), Labcorp).